The following is an entry in ClinVar:

ClinVar aggregate classification (germline): Pathogenic (1 of 4 stars; one submission).

Submission:

GeneDx
Classification: Pathogenic. Last evaluated: 2023-03-22. Review status: criteria provided, single submitter. Criteria: GeneDx Variant Classification Process June 2021. Collection method: clinical testing. Allele origin: germline. Affected: yes.
Comment: Frameshift variant predicted to result in protein truncation or nonsense mediated decay in a gene for which loss of function is a known mechanism of disease; Not observed at significant frequency in large population cohorts (gnomAD); Reported in a table as c.[=/7373_7374del] p.[=/(Ser2458Cysfs*4] in one individual in a study of individuals with a clinical diagnosis of Cornelia de Lange (Moss et al., 2017) Moss J et al. (2017) Am J Med Genet A 173 (6):1566-1574 (PMID: 28425213); This variant is associated with the following publications: (PMID: 28425213)

NM_133433.4(NIPBL):c.7373_7374del (p.Ser2458fs)

Gene: NIPBL (NIPBL cohesin loading factor; plus strand). Cytogenetic location: 5p13.2.
Variant type: Deletion.
Coding change: c.7373_7374del on transcript NM_133433.4 (MANE Select); coding-DNA positions 7373 to 7374, 2 bases deleted (CA; older notation c.7373_7374delCA).
Protein change: p.Ser2458fs; shifts the reading frame from serine 2458.
Molecular consequence: frameshift variant.
Genome position (GRCh38, 1-based): chr5:37,057,295-37,057,296, CA deleted. VCF-style (leftmost placement, unchanged base first): chr5-37057294-TCA-T. GRCh37 (hg19) VCF-style: chr5-37057396-TCA-T.
Other names: c.7373_7374del, p.Ser2458fs (NM_015384.5); short protein forms S2458fs.
Identifiers: ClinVar variation 2580606 (VCV002580606.1), dbSNP rs2478700673, ClinGen allele CA2580618137.
Genomic context (GRCh38, chr5:37,057,294, plus strand): 5'-TTTCCATACCAGACACAGGAAGAGCCGTTGTTTATAATGCATCATATAGACATTACACTC[TCA>T]GTTTCTGGTAGTAACCTACTGCAGTCATTCAAGGAGGTAAGTTACACACATTACTATTCT-3'